The following is an entry in ClinVar:

NM_014915.3(ANKRD26):c.2443C>G (p.Gln815Glu)

Gene: ANKRD26 (ankyrin repeat domain 26; minus strand). Cytogenetic location: 10p12.1.
Variant type: single nucleotide variant.
Coding change: c.2443C>G on transcript NM_014915.3 (MANE Select); coding-DNA position 2443, C replaced by G.
Protein change: p.Gln815Glu; replaces glutamine 815 with glutamic acid.
Molecular consequence: missense variant.
Genome position (GRCh38, 1-based): chr10:27,037,987, G>C on the plus strand (C>G on the coding strand, the complement: ANKRD26 is on the minus strand). VCF-style: chr10-27037987-G-C. GRCh37 (hg19) VCF-style: chr10-27326916-G-C.
Other names: c.2440C>G, p.Gln814Glu (NM_001256053.2); short protein forms Q814E, Q815E.
Identifiers: ClinVar variation 4825286 (VCV004825286.1).

ClinVar aggregate classification (germline): Uncertain significance (1 of 4 stars; one submission).

Conditions:
Inborn genetic diseases. Identifiers: MedGen C0950123, MeSH D030342.

Submission:

Ambry Genetics
Classification: Uncertain significance for Inborn genetic diseases. Last evaluated: 2026-03-14. Review status: criteria provided, single submitter. Criteria: Ambry Variant Classification Scheme 2023. Collection method: clinical testing. Allele origin: germline.
Comment: The p.Q815E variant (also known as c.2443C>G), located in coding exon 22 of the ANKRD26 gene, results from a C to G substitution at nucleotide position 2443. The glutamine at codon 815 is replaced by glutamic acid, an amino acid with highly similar properties. This amino acid position is conserved. In addition, this alteration is predicted to be tolerated by in silico analysis. Based on the available evidence, the clinical significance of this variant remains unclear.